The following is an entry in ClinVar:

NM_012213.3(MLYCD):c.799-19C>T

Genes: MLYCD (malonyl-CoA decarboxylase; plus strand), LOC126862422 (CDK7 strongly-dependent group 2 enhancer GRCh37_chr16:83945234-83946433; plus strand). Cytogenetic location: 16q23.3.
Variant type: single nucleotide variant.
Coding change: c.799-19C>T on transcript NM_012213.3 (MANE Select); 19 bases into the intron before coding-DNA position 799, C replaced by T.
Molecular consequence: intron variant.
Genome position (GRCh38, 1-based): chr16:83,912,199, C>T. VCF-style: chr16-83912199-C-T. GRCh37 (hg19) VCF-style: chr16-83945804-C-T.
Identifiers: ClinVar variation 383501 (VCV000383501.10), dbSNP rs371452638, ClinGen allele CA8197392.

ClinVar aggregate classification (germline): Likely benign. Review status: criteria provided, multiple submitters, no conflicts (2 of 4 stars). 3 submissions from 3 submitters: Likely benign (3). Last evaluated 2025-09-25.

Conditions:
Deficiency of malonyl-CoA decarboxylase. Also called: Malonic aciduria; MCD deficiency. Identifiers: Orphanet 943, MedGen C0342793, MONDO:0009556, OMIM 248360.

Allele frequency attached by ClinVar (database versions not stated): ESP Exome Variant Server 0.00016; TOPMed 0.00022; gnomAD 0.00029.
gnomAD v4.1: 199 of 1,614,024 alleles (0.012%); highest among the groups gnomAD compares: Non-Finnish European, 0.016%; no homozygotes.

Submissions (3):

Labcorp Genetics (formerly Invitae), Labcorp
Classification: Likely benign for Deficiency of malonyl-CoA decarboxylase. Last evaluated: 2025-09-25. Review status: criteria provided, single submitter. Criteria: Invitae Variant Classification Sherloc (09022015). Collection method: clinical testing. Allele origin: germline.

Blueprint Genetics
Classification: Likely benign. Last evaluated: 2024-11-22. Review status: criteria provided, single submitter. Criteria: ACMG Guidelines, 2015. Collection method: clinical testing. Allele origin: germline.

GeneDx
Classification: Likely benign. Last evaluated: 2016-02-24. Review status: criteria provided, single submitter. Criteria: GeneDx Variant Classification (06012015). Collection method: clinical testing. Allele origin: germline. Affected: yes.
Comment: This variant is considered likely benign or benign based on one or more of the following criteria: it is a conservative change, it occurs at a poorly conserved position in the protein, it is predicted to be benign by multiple in silico algorithms, and/or has population frequency not consistent with disease.